The following is an entry in ClinVar:

NM_002470.4(MYH3):c.1906A>G (p.Lys636Glu)

Gene: MYH3 (myosin heavy chain 3; minus strand). Cytogenetic location: 17p13.1.
Variant type: single nucleotide variant.
Coding change: c.1906A>G on transcript NM_002470.4 (MANE Select); coding-DNA position 1906, A replaced by G.
Protein change: p.Lys636Glu; replaces lysine 636 with glutamic acid.
Molecular consequence: missense variant.
Genome position (GRCh38, 1-based): chr17:10,642,293, T>C on the plus strand (A>G on the coding strand, the complement: MYH3 is on the minus strand). VCF-style: chr17-10642293-T-C. GRCh37 (hg19) VCF-style: chr17-10545610-T-C.
Other names: short protein forms K636E.
Identifiers: ClinVar variation 4761761 (VCV004761761.1).

ClinVar aggregate classification (germline): Uncertain significance (1 of 4 stars; one submission).

gnomAD v4.1: 3 of 1,614,066 alleles (0.00019%); highest among the groups gnomAD compares: Admixed American, 0.0017%; no homozygotes.

Submission:

Labcorp Genetics (formerly Invitae), Labcorp
Classification: Uncertain significance. Last evaluated: 2025-08-29. Review status: criteria provided, single submitter. Criteria: Invitae Variant Classification Sherloc (09022015). Collection method: clinical testing. Allele origin: germline.
Comment: This sequence change replaces lysine, which is basic and polar, with glutamic acid, which is acidic and polar, at codon 636 of the MYH3 protein (p.Lys636Glu). This variant is not present in population databases (gnomAD no frequency). This variant has not been reported in the literature in individuals affected with MYH3-related conditions. Invitae Evidence Modeling of protein sequence and biophysical properties (such as structural, functional, and spatial information, amino acid conservation, physicochemical variation, residue mobility, and thermodynamic stability) indicates that this missense variant is not expected to disrupt MYH3 protein function with a negative predictive value of 95%. In summary, the available evidence is currently insufficient to determine the role of this variant in disease. Therefore, it has been classified as a Variant of Uncertain Significance.